The following is an entry in ClinVar:

NM_022455.5(NSD1):c.5950C>T (p.Arg1984Ter)

Gene: NSD1 (nuclear receptor binding SET domain protein 1; plus strand). Cytogenetic location: 5q35.3.
Variant type: single nucleotide variant.
Coding change: c.5950C>T on transcript NM_022455.5 (MANE Select); coding-DNA position 5950, C replaced by T.
Protein change: p.Arg1984Ter; replaces arginine 1984 with a stop codon.
Molecular consequence: nonsense.
Genome position (GRCh38, 1-based): chr5:177,282,522, C>T. VCF-style: chr5-177282522-C-T. GRCh37 (hg19) VCF-style: chr5-176709523-C-T.
Other names: c.5077C>T, p.Arg1693Ter (NM_001365684.2, NM_001409308.1, NM_001409309.1 and 1 more transcripts); c.5950C>T, p.Arg1984Ter (NM_001409301.1, NM_001409302.1, NM_001409303.1); c.5530C>T, p.Arg1844Ter (NM_001409304.1); c.5197C>T, p.Arg1733Ter (NM_001409305.1); c.5188C>T, p.Arg1730Ter (NM_001409306.1, NM_001409307.1); short protein forms R1984*, R1715*, R1693*, R1730*, R1733*, R1844*.
Identifiers: ClinVar variation 209175 (VCV000209175.14), dbSNP rs797045057, ClinGen allele CA319683.

ClinVar aggregate classification (germline): Pathogenic. Review status: criteria provided, multiple submitters, no conflicts (2 of 4 stars). 5 submissions from 5 submitters: Pathogenic (5). Last evaluated 2024-09-21.

Conditions:
Sotos syndrome (SOTOS). Also called: Sotos' syndrome; CHROMOSOME 5q35 DELETION SYNDROME; CEREBRAL GIGANTISM; Distinctive facial appearance, overgrowth in childhood, and learning disabilities or delayed development; SOTOS SYNDROME 1. Identifiers: Orphanet 821, MedGen C0175695, MONDO:0019349, OMIM 117550.
NSD1-related disorder. Also called: NSD1-related condition.

Submissions (5):

Labcorp Genetics (formerly Invitae), Labcorp
Classification: Pathogenic. Last evaluated: 2024-09-21. Review status: criteria provided, single submitter. Criteria: Invitae Variant Classification Sherloc (09022015). Collection method: clinical testing. Allele origin: germline.
Comment: This sequence change creates a premature translational stop signal (p.Arg1984*) in the NSD1 gene. It is expected to result in an absent or disrupted protein product. Loss-of-function variants in NSD1 are known to be pathogenic (PMID: 12464997, 14571271, 15942875, 16247291). This variant is not present in population databases (gnomAD no frequency). This premature translational stop signal has been observed in individual(s) with Sotos syndrome (PMID: 15742365, 15942875, 25852445). In at least one individual the variant was observed to be de novo. ClinVar contains an entry for this variant (Variation ID: 209175). For these reasons, this variant has been classified as Pathogenic.

GeneDx
Classification: Pathogenic. Last evaluated: 2023-09-28. Review status: criteria provided, single submitter. Criteria: GeneDx Variant Classification Process June 2021. Collection method: clinical testing. Allele origin: germline. Affected: yes.
Comment: Nonsense variant predicted to result in protein truncation or nonsense mediated decay in a gene for which loss of function is a known mechanism of disease; Not observed at significant frequency in large population cohorts (gnomAD); This variant is associated with the following publications: (PMID: 25525159, 17565729, 26633545, 30921091, 15942875, 25852445, 15742365, 28475857)

Blueprint Genetics
Classification: Pathogenic for NSD1-related disorders. Last evaluated: 2022-06-16. Review status: criteria provided, single submitter. Criteria: ACMG Guidelines, 2015. Collection method: clinical testing. Allele origin: germline. Affected: yes. Observed: 2 variant alleles.

Genome-Nilou Lab
Classification: Pathogenic for Sotos syndrome. Last evaluated: 2021-07-15. Review status: criteria provided, single submitter. Criteria: ACMG Guidelines, 2015. Collection method: clinical testing. Allele origin: germline. Affected: no.

Baylor Genetics
Classification: Pathogenic for Sotos syndrome 1. Last evaluated: 2014-09-01. Review status: criteria provided, single submitter. Criteria: Yang et al. 2013. Collection method: clinical testing. Allele origin: de novo. Inheritance: Autosomal dominant inheritance. Affected: yes. Observed: 1 variant allele, 1 heterozygote. Study: Adult_WES.

Literature cited by the submitters: PubMed 12464997 (cited by Labcorp Genetics (formerly Invitae), Labcorp); PubMed 14571271 (cited by Labcorp Genetics (formerly Invitae), Labcorp); PubMed 15942875 (cited by Labcorp Genetics (formerly Invitae), Labcorp); PubMed 16247291 (cited by Labcorp Genetics (formerly Invitae), Labcorp); PubMed 15742365 (cited by Labcorp Genetics (formerly Invitae), Labcorp and Baylor Genetics); PubMed 25852445 (cited by Labcorp Genetics (formerly Invitae), Labcorp); PubMed 26633545 (cited by Baylor Genetics).